The following is an entry in ClinVar:

ClinVar aggregate classification (germline): Uncertain significance (1 of 4 stars; one submission).

Allele frequency attached by ClinVar (database versions not stated): gnomAD exomes below 0.00001; ExAC 0.00001; gnomAD 0.00001; TOPMed 0.00001; ESP Exome Variant Server 0.00008.
gnomAD v4.1: 6 of 1,612,876 alleles (0.00037%); highest among the groups gnomAD compares: African/African-American, 0.0013%; no homozygotes.

Submission:

Labcorp Genetics (formerly Invitae), Labcorp
Classification: Uncertain significance. Last evaluated: 2024-04-17. Review status: criteria provided, single submitter. Criteria: Invitae Variant Classification Sherloc (09022015). Collection method: clinical testing. Allele origin: germline.
Comment: This sequence change replaces alanine, which is neutral and non-polar, with valine, which is neutral and non-polar, at codon 403 of the DNA2 protein (p.Ala403Val). This variant is present in population databases (rs367949316, gnomAD 0.0009%). This variant has not been reported in the literature in individuals affected with DNA2-related conditions. ClinVar contains an entry for this variant (Variation ID: 2110601). Advanced modeling of protein sequence and biophysical properties (such as structural, functional, and spatial information, amino acid conservation, physicochemical variation, residue mobility, and thermodynamic stability) performed at Invitae indicates that this missense variant is not expected to disrupt DNA2 protein function with a negative predictive value of 80%. In summary, the available evidence is currently insufficient to determine the role of this variant in disease. Therefore, it has been classified as a Variant of Uncertain Significance.

NM_001080449.3(DNA2):c.1208C>T (p.Ala403Val)

Gene: DNA2 (DNA replication helicase/nuclease 2; minus strand). Cytogenetic location: 10q21.3.
Variant type: single nucleotide variant.
Coding change: c.1208C>T on transcript NM_001080449.3 (MANE Select); coding-DNA position 1208, C replaced by T.
Protein change: p.Ala403Val; replaces alanine 403 with valine.
Molecular consequence: missense variant. On other transcripts: non-coding transcript variant (1).
Genome position (GRCh38, 1-based): chr10:68,444,933, G>A on the plus strand (C>T on the coding strand, the complement: DNA2 is on the minus strand). VCF-style: chr10-68444933-G-A. GRCh37 (hg19) VCF-style: chr10-70204690-G-A.
Other names: short protein forms A403V.
Identifiers: ClinVar variation 2110601 (VCV002110601.4), dbSNP rs367949316, ClinGen allele CA5525117.